The following is an entry in ClinVar:

ClinVar aggregate classification (germline): Uncertain significance. Review status: criteria provided, multiple submitters, no conflicts (2 of 4 stars). 3 submissions from 3 submitters: Uncertain significance (3). Last evaluated 2025-04-25.

Conditions:
Autosomal recessive limb-girdle muscular dystrophy type 2J (LGMDR10). Also called: Limb-girdle muscular dystrophy, type 2J; MUSCULAR DYSTROPHY, LIMB-GIRDLE, AUTOSOMAL RECESSIVE 10. Identifiers: Orphanet 140922, MedGen C1837342, MONDO:0012127, OMIM 608807.
Dilated cardiomyopathy 1G (CMD1G). Identifiers: Orphanet 154, MedGen C1858763, MONDO:0011400, OMIM 604145.

gnomAD v4.1: 1 of 1,610,742 alleles (0.000062%); highest among the groups gnomAD compares: Non-Finnish European, 0.000085%; no homozygotes.

Submissions (3):

GeneDx
Classification: Uncertain significance. Last evaluated: 2025-04-25. Review status: criteria provided, single submitter. Criteria: GeneDx Variant Classification Process June 2021. Collection method: clinical testing. Allele origin: germline. Affected: yes.
Comment: Not observed at significant frequency in large population cohorts (gnomAD); Missense variant in a gene in which most reported pathogenic variants are truncating/loss of function; Has not been previously published as pathogenic or benign to our knowledge

Labcorp Genetics (formerly Invitae), Labcorp
Classification: Uncertain significance for Dilated cardiomyopathy 1G; Autosomal recessive limb-girdle muscular dystrophy type 2J. Last evaluated: 2022-06-20. Review status: criteria provided, single submitter. Criteria: Invitae Variant Classification Sherloc (09022015). Collection method: clinical testing. Allele origin: germline.
Comment: In summary, the available evidence is currently insufficient to determine the role of this variant in disease. Therefore, it has been classified as a Variant of Uncertain Significance. This variant is located in the I band of TTN (PMID: 25589632). Variants in this region may be clinically relevant, but have not been definitively shown to cause cardiomyopathy or neuromuscular disease (PMID: 27493940, 32778822). Variants that disrupt the consensus splice site are a relatively common cause of aberrant splicing (PMID: 17576681, 9536098). Algorithms developed to predict the effect of sequence changes on RNA splicing suggest that this variant may disrupt the consensus splice site. Experimental studies and prediction algorithms are not available or were not evaluated, and the functional significance of this variant is currently unknown. ClinVar contains an entry for this variant (Variation ID: 640513). This variant has not been reported in the literature in individuals affected with TTN-related conditions. This variant is not present in population databases (gnomAD no frequency). This sequence change replaces valine, which is neutral and non-polar, with phenylalanine, which is neutral and non-polar, at codon 10424 of the TTN protein (p.Val10424Phe). This variant also falls at the last nucleotide of exon 115, which is part of the consensus splice site for this exon.

Victorian Clinical Genetics Services, Murdoch Childrens Research Institute
Classification: Uncertain significance for Dilated cardiomyopathy 1G. Last evaluated: 2021-05-06. Review status: criteria provided, single submitter. Criteria: ACMG Guidelines, 2015. Collection method: clinical testing. Allele origin: germline. Inheritance: Autosomal dominant inheritance. Affected: yes.
Comment: Based on the classification scheme VCGS_Germline_v1.3.4, this variant is classified as VUS-3B. Following criteria are met: 0102 - Loss of function is known mechanism of disease in this gene. In addition, dominant negative is also a suggested mechanism as not all truncated transcripts in dilated cardiomyopathy (DCM) undergo nonsense mediated decay (PMID: 25589632). (I) 0108 - This gene is associated with both recessive and dominant disease. (I) 0112 - The condition associated with this gene has incomplete penetrance. Null variants have been reported to have incomplete penetrance in DCM (PMID: 25589632, 28045975). (I) 0200 - Variant is predicted to result in a missense amino acid change from valine to phenylalanine. (I) 0251 - This variant is heterozygous. (I) 0301 - Variant is absent from gnomAD (both v2 and v3). (SP) 0309 - An alternative amino acid change at the same position has been observed in gnomAD (v2: 1 heterozygote, 0 homozygotes). (I) 0502 - Missense variant with conflicting in silico predictions and uninformative conservation. This variant also lies within the splicing region however, the nucleotide is moderately conserved and splicing in silico programs do not predict a loss of splice site. (I) 0600 - Variant is located in the annotated I-band and exon has a PSI score of 75 (PMID: 25589632). (I) 0705 - No comparable missense variants have previous evidence for pathogenicity. (I) 0809 - Previous evidence of pathogenicity for this variant is inconclusive. It has been classified as a VUS by a diagnostic laboratory in ClinVar. (I) 0905 - No published segregation evidence has been identified for this variant. (I) 1007 - No published functional evidence has been identified for this variant. (I) 1208 - Inheritance information for this variant is not currently available in this individual. (I) Legend: (SP) - Supporting pathogenic, (I) - Information, (SB) - Supporting benign

Literature cited by the submitters: PubMed 25589632 (cited by Labcorp Genetics (formerly Invitae), Labcorp and Victorian Clinical Genetics Services, Murdoch Childrens Research Institute); PubMed 27493940 (cited by Labcorp Genetics (formerly Invitae), Labcorp); PubMed 32778822 (cited by Labcorp Genetics (formerly Invitae), Labcorp); PubMed 17576681 (cited by Labcorp Genetics (formerly Invitae), Labcorp); PubMed 9536098 (cited by Labcorp Genetics (formerly Invitae), Labcorp); PubMed 28045975 (cited by Victorian Clinical Genetics Services, Murdoch Childrens Research Institute).

NM_001267550.2(TTN):c.31270G>T (p.Val10424Phe)

Gene: TTN (titin; minus strand). Cytogenetic location: 2q31.2.
Variant type: single nucleotide variant.
Coding change: c.31270G>T on transcript NM_001267550.2 (MANE Select); coding-DNA position 31270, G replaced by T.
Protein change: p.Val10424Phe; replaces valine 10424 with phenylalanine.
Molecular consequence: missense variant. On other transcripts: intron variant (3).
Genome position (GRCh38, 1-based): chr2:178,695,348, C>A on the plus strand (G>T on the coding strand, the complement: TTN is on the minus strand). VCF-style: chr2-178695348-C-A. GRCh37 (hg19) VCF-style: chr2-179560075-C-A.
Other names: c.30319G>T, p.Val10107Phe (NM_001256850.1); c.27538G>T, p.Val9180Phe (NM_133378.4); c.13282+42734G>T (NM_003319.4); c.13858+42734G>T (NM_133437.4); c.13657+42734G>T (NM_133432.3); c.31270G>T (NM_001267550.1); short protein forms V10424F, V10107F, V9180F.
Identifiers: ClinVar variation 640513 (VCV000640513.11), dbSNP rs1352290576, ClinGen allele CA349563599.